The following is an entry in ClinVar:

NM_004385.5(VCAN):c.9380-4T>A

Genes: VCAN (versican; plus strand), VCAN-AS1 (VCAN antisense RNA 1; minus strand). Cytogenetic location: 5q14.3.
Variant type: single nucleotide variant.
Coding change: c.9380-4T>A on transcript NM_004385.5 (MANE Select); 4 bases into the intron before coding-DNA position 9380, T replaced by A.
Molecular consequence: intron variant.
Genome position (GRCh38, 1-based): chr5:83,547,967, T>A. VCF-style: chr5-83547967-T-A. GRCh37 (hg19) VCF-style: chr5-82843786-T-A.
Other names: c.4118-4T>A (NM_001164098.2); c.6419-4T>A (NM_001164097.2); c.1157-4T>A (NM_001126336.3).
Identifiers: ClinVar variation 354465 (VCV000354465.24), dbSNP rs139854446, ClinGen allele CA3333999.
Genomic context (GRCh38, chr5:83,547,967, plus strand): 5'-CACTAAATGGAATTCTTTGATACTTTTTGAAAGTATTTTGTGAGCTTTTACTATTTTGTT[T>A]CAGATTTTGATGAATGTCACTCTAATCCCTGTCGTAATGGAGCCACTTGTGTTGATGGTT-3'

ClinVar aggregate classification (germline): Benign/Likely benign. Review status: criteria provided, multiple submitters, no conflicts (2 of 4 stars). 6 submissions from 6 submitters: Benign (2); Likely benign (3). 1 of the submissions does not count toward it. Last evaluated 2025-10-01.

Conditions:
Vitreoretinopathy. Also called: Vitreoretinal degeneration. Identifiers: MedGen C0344290, MONDO:0020248, HP:0007773.
VCAN-related disorder. Also called: VCAN-related condition.

Allele frequency attached by ClinVar (database versions not stated): ExAC 0.00012; 1000 Genomes Project 0.00020; ESP Exome Variant Server 0.00031; gnomAD 0.00036 and 0.00038; 1000 Genomes Project 30x 0.00047; TOPMed 0.00050.
gnomAD v4.1: 133 of 1,605,530 alleles (0.0083%); highest among the groups gnomAD compares: African/African-American, 0.13%; 1 homozygote.

Submissions (6):

CeGaT Center for Human Genetics Tuebingen
Classification: Likely benign. Last evaluated: 2025-10-01. Review status: criteria provided, single submitter. Criteria: CeGaT Center For Human Genetics Tuebingen Variant Classification Criteria Version 2. Collection method: clinical testing. Allele origin: germline. Affected: yes. Observed: 1 variant allele.
Comment: VCAN: BP4, BS2

Labcorp Genetics (formerly Invitae), Labcorp
Classification: Benign. Last evaluated: 2025-10-01. Review status: criteria provided, single submitter. Criteria: Invitae Variant Classification Sherloc (09022015). Collection method: clinical testing. Allele origin: germline.

Blueprint Genetics
Classification: Likely benign. Last evaluated: 2024-02-23. Review status: criteria provided, single submitter. Criteria: ACMG Guidelines, 2015. Collection method: clinical testing. Allele origin: germline.

Illumina Laboratory Services, Illumina
Classification: Benign for Vitreoretinopathy. Last evaluated: 2018-01-12. Review status: criteria provided, single submitter. Criteria: ICSL Variant Classification Criteria 13 December 2019. Collection method: clinical testing. Allele origin: germline.
Comment: This variant was observed in the ICSL laboratory as part of a predisposition screen in an ostensibly healthy population. It had not been previously curated by ICSL or reported in the Human Gene Mutation Database (HGMD: prior to June 1st, 2018), and was therefore a candidate for classification through an automated scoring system. Utilizing variant allele frequency, disease prevalence and penetrance estimates, and inheritance mode, an automated score was calculated to assess if this variant is too frequent to cause the disease. Based on the score and internal cut-off values, a variant classified as benign is not then subjected to further curation. The score for this variant resulted in a classification of benign for this disease.

Breakthrough Genomics
Classification: Likely benign. Review status: criteria provided, single submitter. Criteria: ACMG Guidelines, 2015. Collection method: not provided. Allele origin: germline. Inheritance: Autosomal dominant inheritance. Affected: yes.

PreventionGenetics, part of Exact Sciences
Classification: Likely benign for VCAN-related condition. Last evaluated: 2020-03-20. Review status: no assertion criteria provided. Collection method: clinical testing. Allele origin: germline. Not counted in ClinVar's aggregate classification.
Comment: This variant is classified as likely benign based on ACMG/AMP sequence variant interpretation guidelines (Richards et al. 2015 PMID: 25741868, with internal and published modifications).